The following is an entry in ClinVar:

ClinVar aggregate classification (germline): Uncertain significance (1 of 4 stars; one submission).

Conditions:
Gastrointestinal stromal tumor. Also called: Gastrointestinal stroma tumor; Gastrointestinal stromal tumor, somatic. Identifiers: Orphanet 44890, MedGen C0238198, MeSH D046152, MONDO:0011719, OMIM 606764, HP:0100723.

gnomAD v4.1: 1 of 1,613,942 alleles (0.000062%); highest among the groups gnomAD compares: African/African-American, 0.0013%; no homozygotes.

Submission:

Labcorp Genetics (formerly Invitae), Labcorp
Classification: Uncertain significance for Gastrointestinal stromal tumor. Last evaluated: 2025-02-09. Review status: criteria provided, single submitter. Criteria: Invitae Variant Classification Sherloc (09022015). Collection method: clinical testing. Allele origin: germline.
Comment: This sequence change replaces glutamic acid, which is acidic and polar, with aspartic acid, which is acidic and polar, at codon 996 of the PDGFRA protein (p.Glu996Asp). This variant is present in population databases (rs748269104, gnomAD 0.007%). This variant has not been reported in the literature in individuals affected with PDGFRA-related conditions. Invitae Evidence Modeling of protein sequence and biophysical properties (such as structural, functional, and spatial information, amino acid conservation, physicochemical variation, residue mobility, and thermodynamic stability) indicates that this missense variant is not expected to disrupt PDGFRA protein function with a negative predictive value of 80%. In summary, the available evidence is currently insufficient to determine the role of this variant in disease. Therefore, it has been classified as a Variant of Uncertain Significance.

NM_006206.6(PDGFRA):c.2988G>C (p.Glu996Asp)

Gene: PDGFRA (platelet derived growth factor receptor alpha; plus strand). Cytogenetic location: 4q12.
Variant type: single nucleotide variant.
Coding change: c.2988G>C on transcript NM_006206.6 (MANE Select); coding-DNA position 2988, G replaced by C.
Protein change: p.Glu996Asp; replaces glutamic acid 996 with aspartic acid.
Molecular consequence: missense variant.
Genome position (GRCh38, 1-based): chr4:54,290,420, G>C. VCF-style: chr4-54290420-G-C. GRCh37 (hg19) VCF-style: chr4-55156587-G-C.
Other names: c.3063G>C, p.Glu1021Asp (NM_001347828.2); c.2988G>C, p.Glu996Asp (NM_001347829.2); c.3027G>C, p.Glu1009Asp (NM_001347830.2); short protein forms E1009D, E1021D, E996D.
Identifiers: ClinVar variation 4773481 (VCV004773481.1).
Genomic context (GRCh38, chr4:54,290,420, plus strand): 5'-TGTGGCACGCATGCGTGTGGACTCAGACAATGCATACATTGGTGTCACCTACAAAAACGA[G>C]GAAGACAAGCTGAAGGACTGGGAGGGTGGTCTGGATGAGCAGAGACTGAGCGCTGACAGT-3'
Protein context (NP_006197.1, residues 986-1006): NAYIGVTYKN[Glu996Asp]EDKLKDWEGG